The following is an entry in ClinVar:

NM_177438.3(DICER1):c.2462G>A (p.Arg821His)

Gene: DICER1 (dicer 1, ribonuclease III; minus strand). Cytogenetic location: 14q32.13.
Variant type: single nucleotide variant.
Coding change: c.2462G>A on transcript NM_177438.3 (MANE Select); coding-DNA position 2462, G replaced by A.
Protein change: p.Arg821His; replaces arginine 821 with histidine.
Molecular consequence: missense variant.
Genome position (GRCh38, 1-based): chr14:95,108,068, C>T on the plus strand (G>A on the coding strand, the complement: DICER1 is on the minus strand). VCF-style: chr14-95108068-C-T. GRCh37 (hg19) VCF-style: chr14-95574405-C-T.
Other names: c.2462G>A, p.Arg821His (NM_001195573.1, NM_001271282.3, NM_001291628.2 and 1 more transcripts); short protein forms R821H.
Identifiers: ClinVar variation 1034594 (VCV001034594.10), dbSNP rs1034912224, ClinGen allele CA390881978.

ClinVar aggregate classification (germline): Uncertain significance (1 of 4 stars; one submission).

Conditions:
DICER1-related tumor predisposition. Also called: DICER1 syndrome; DICER1-related pleuropulmonary blastoma cancer predisposition syndrome. Identifiers: Orphanet 284343, MedGen C3839822, MONDO:0100216.

Submission:

Labcorp Genetics (formerly Invitae), Labcorp
Classification: Uncertain significance for DICER1-related tumor predisposition. Last evaluated: 2022-03-05. Review status: criteria provided, single submitter. Criteria: Invitae Variant Classification Sherloc (09022015). Collection method: clinical testing. Allele origin: germline.
Comment: This sequence change replaces arginine, which is basic and polar, with histidine, which is basic and polar, at codon 821 of the DICER1 protein (p.Arg821His). This variant is not present in population databases (gnomAD no frequency). This variant has not been reported in the literature in individuals affected with DICER1-related conditions. ClinVar contains an entry for this variant (Variation ID: 1034594). Algorithms developed to predict the effect of missense changes on protein structure and function (SIFT, PolyPhen-2, Align-GVGD) all suggest that this variant is likely to be disruptive. In summary, the available evidence is currently insufficient to determine the role of this variant in disease. Therefore, it has been classified as a Variant of Uncertain Significance.